The following is an entry in ClinVar:

ClinVar aggregate classification (germline): Uncertain significance (1 of 4 stars; one submission).

Conditions:
Cardiovascular phenotype. Identifiers: MedGen CN230736.

gnomAD v4.1: 2 of 1,532,782 alleles (0.00013%); highest among the groups gnomAD compares: African/African-American, 0.0027%; no homozygotes.

Submission:

Ambry Genetics
Classification: Uncertain significance for Cardiovascular phenotype. Last evaluated: 2025-06-15. Review status: criteria provided, single submitter. Criteria: Ambry Variant Classification Scheme 2023. Collection method: clinical testing. Allele origin: germline.
Comment: The p.G3334W variant (also known as c.10000G>T), located in coding exon 28 of the TNXB gene, results from a G to T substitution at nucleotide position 10000. The glycine at codon 3334 is replaced by tryptophan, an amino acid with highly dissimilar properties. This amino acid position is conserved. In addition, this alteration is predicted to be tolerated by in silico analysis. Since supporting evidence is limited at this time, the clinical significance of this alteration remains unclear.

NM_001365276.2(TNXB):c.10006G>T (p.Gly3336Trp)

Gene: TNXB (tenascin XB; minus strand). Cytogenetic location: 6p21.33.
Variant type: single nucleotide variant.
Coding change: c.10006G>T on transcript NM_001365276.2 (MANE Select); coding-DNA position 10006, G replaced by T.
Protein change: p.Gly3336Trp; replaces glycine 3336 with tryptophan.
Molecular consequence: missense variant.
Genome position (GRCh38, 1-based): chr6:32,048,402, C>A on the plus strand (G>T on the coding strand, the complement: TNXB is on the minus strand). VCF-style: chr6-32048402-C-A. GRCh37 (hg19) VCF-style: chr6-32016179-C-A.
Other names: c.10000G>T, p.Gly3334Trp (NM_019105.8); short protein forms G3336W, G3334W.
Identifiers: ClinVar variation 2451142 (VCV002451142.3), dbSNP rs1032893435, ClinGen allele CA363533319.